The following is an entry in ClinVar:

ClinVar aggregate classification (germline): Likely pathogenic (1 of 4 stars; one submission).

Conditions:
Progressive sclerosing poliodystrophy (MTDPS4A). Also called: ALPERS PROGRESSIVE INFANTILE POLIODYSTROPHY; NEURONAL DEGENERATION OF CHILDHOOD WITH LIVER DISEASE, PROGRESSIVE; Alpers Syndrome; ALPERS DIFFUSE DEGENERATION OF CEREBRAL GRAY MATTER WITH HEPATIC CIRRHOSIS; Alpers-Huttenlocher Syndrome; Mitochondrial DNA Depletion Syndrome 4A. Identifiers: Orphanet 726, MedGen C0205710, MONDO:0008758, OMIM 203700.

Allele frequency attached by ClinVar (database versions not stated): ExAC 0.00001; ESP Exome Variant Server 0.00008.

Submission:

Labcorp Genetics (formerly Invitae), Labcorp
Classification: Likely pathogenic for Progressive sclerosing poliodystrophy. Last evaluated: 2022-11-02. Review status: criteria provided, single submitter. Criteria: Invitae Variant Classification Sherloc (09022015). Collection method: clinical testing. Allele origin: germline.
Comment: This sequence change affects a donor splice site in intron 16 of the POLG gene. It is expected to disrupt RNA splicing. Variants that disrupt the donor or acceptor splice site typically lead to a loss of protein function (PMID: 16199547), and loss-of-function variants in POLG are known to be pathogenic (PMID: 18546365). In summary, the currently available evidence indicates that the variant is pathogenic, but additional data are needed to prove that conclusively. Therefore, this variant has been classified as Likely Pathogenic. Algorithms developed to predict the effect of sequence changes on RNA splicing suggest that this variant may disrupt the consensus splice site. This variant has not been reported in the literature in individuals affected with POLG-related conditions. This variant is present in population databases (rs372740330, gnomAD 0.007%).

Literature cited by the submitters: PubMed 16199547; PubMed 18546365.

NM_002693.3(POLG):c.2598+1G>A

Gene: POLG (DNA polymerase gamma, catalytic subunit; minus strand). Cytogenetic location: 15q26.1.
Variant type: single nucleotide variant.
Coding change: c.2598+1G>A on transcript NM_002693.3 (MANE Select); the canonical splice donor site of the intron after coding-DNA position 2598, G replaced by A.
Molecular consequence: splice donor variant.
Genome position (GRCh38, 1-based): chr15:89,321,735, C>T on the plus strand (G>A on the coding strand, the complement: POLG is on the minus strand). VCF-style: chr15-89321735-C-T. GRCh37 (hg19) VCF-style: chr15-89864966-C-T.
Other names: c.2598+1G>A (NM_001126131.2).
Identifiers: ClinVar variation 2809626 (VCV002809626.3), dbSNP rs372740330, ClinGen allele CA7724415.
Genomic context (GRCh38, chr15:89,321,735, plus strand): 5'-GCCCAGTTTCTACAGACCTGGGAGAGGAAGAGCAGGGGCCAGAGGTACAGAGGTCACATA[C>T]CCGGGCATTGCTGGCGGTGAGCCATGTGGGCTCCACAGCCCGGCGAGTGATGGTGCCGGC-3'